The following is an entry in ClinVar:

NM_006206.6(PDGFRA):c.875C>G (p.Ala292Gly)

Gene: PDGFRA (platelet derived growth factor receptor alpha; plus strand). Cytogenetic location: 4q12.
Variant type: single nucleotide variant.
Coding change: c.875C>G on transcript NM_006206.6 (MANE Select); coding-DNA position 875, C replaced by G.
Protein change: p.Ala292Gly; replaces alanine 292 with glycine.
Molecular consequence: missense variant.
Genome position (GRCh38, 1-based): chr4:54,267,404, C>G. VCF-style: chr4-54267404-C-G. GRCh37 (hg19) VCF-style: chr4-55133571-C-G.
Other names: c.875C>G, p.Ala292Gly (NM_001347827.2, NM_001347829.2); c.950C>G, p.Ala317Gly (NM_001347828.2); c.914C>G, p.Ala305Gly (NM_001347830.2); short protein forms A305G, A317G, A292G.
Identifiers: ClinVar variation 1507970 (VCV001507970.10), dbSNP rs2110265236, ClinGen allele CA356891299.

ClinVar aggregate classification (germline): Uncertain significance. Review status: criteria provided, multiple submitters, no conflicts (2 of 4 stars). 2 submissions from 2 submitters: Uncertain significance (2). Last evaluated 2021-10-20.

Conditions:
Gastrointestinal stromal tumor. Also called: Gastrointestinal stromal tumor, somatic; Gastrointestinal stroma tumor. Identifiers: Orphanet 44890, MedGen C0238198, MeSH D046152, MONDO:0011719, OMIM 606764, HP:0100723.
Hereditary cancer-predisposing syndrome. Also called: Tumor predisposition; Neoplastic Syndromes, Hereditary; Hereditary Cancer Syndrome; Hereditary neoplastic syndrome. Identifiers: Orphanet 140162, MedGen C0027672, MeSH D009386, MONDO:0015356.

Submissions (2):

Ambry Genetics
Classification: Uncertain significance for Hereditary cancer-predisposing syndrome. Last evaluated: 2021-10-20. Review status: criteria provided, single submitter. Criteria: Ambry Variant Classification Scheme 2023. Collection method: clinical testing. Allele origin: germline.
Comment: The p.A292G variant (also known as c.875C>G), located in coding exon 5 of the PDGFRA gene, results from a C to G substitution at nucleotide position 875. The alanine at codon 292 is replaced by glycine, an amino acid with similar properties. This amino acid position is conserved. In addition, the in silico prediction for this alteration is inconclusive. Since supporting evidence is limited at this time, the clinical significance of this alteration remains unclear.

Labcorp Genetics (formerly Invitae), Labcorp
Classification: Uncertain significance for Gastrointestinal stromal tumor. Last evaluated: 2020-11-24. Review status: criteria provided, single submitter. Criteria: Invitae Variant Classification Sherloc (09022015). Collection method: clinical testing. Allele origin: germline.
Comment: This sequence change replaces alanine with glycine at codon 292 of the PDGFRA protein (p.Ala292Gly). The alanine residue is moderately conserved and there is a small physicochemical difference between alanine and glycine. This variant is not present in population databases (ExAC no frequency). This variant has not been reported in the literature in individuals with PDGFRA-related conditions. Algorithms developed to predict the effect of missense changes on protein structure and function are either unavailable or do not agree on the potential impact of this missense change (SIFT: "Deleterious"; PolyPhen-2: "Possibly Damaging"; Align-GVGD: "Class C0"). In summary, the available evidence is currently insufficient to determine the role of this variant in disease. Therefore, it has been classified as a Variant of Uncertain Significance.